The following is an entry in ClinVar:

NM_000091.5(COL4A3):c.4380T>C (p.Cys1460=)

Genes: COL4A3 (collagen type IV alpha 3 chain; plus strand), MFF-DT (MFF divergent transcript; minus strand). Cytogenetic location: 2q36.3.
Variant type: single nucleotide variant.
Coding change: c.4380T>C on transcript NM_000091.5 (MANE Select); coding-DNA position 4380, T replaced by C.
Protein change: p.Cys1460=; no amino-acid change (cysteine 1460 retained).
Molecular consequence: synonymous variant.
Genome position (GRCh38, 1-based): chr2:227,307,837, T>C. VCF-style: chr2-227307837-T-C. GRCh37 (hg19) VCF-style: chr2-228172553-T-C.
Other names: p.Cys1460=.
Identifiers: ClinVar variation 254997 (VCV000254997.20), dbSNP rs114430490, ClinGen allele CA2147522.
Genomic context (GRCh38, chr2:227,307,837, plus strand): 5'-CTGGACAACGAGAGGCTTTGTCTTCACCCGACACAGTCAAACCACAGCAATTCCTTCATG[T>C]CCAGAGGGGACAGTGCCACTCTACAGTGGGTTTTCTTTTCTTTTTGTACAAGGAAATCAA-3'
Protein context (NP_000082.2, residues 1450-1470): RHSQTTAIPS[Cys1460=]PEGTVPLYSG

ClinVar aggregate classification (germline): Benign/Likely benign. Review status: criteria provided, multiple submitters, no conflicts (2 of 4 stars). 8 submissions from 8 submitters: Benign (4); Likely benign (2). 2 of the submissions do not count toward it. Last evaluated 2026-02-01.

Conditions:
Alport syndrome. Also called: Hemorrhagic familial nephritis; Hemorrhagic hereditary nephritis; Congenital hereditary hematuria. Identifiers: Orphanet 63, MedGen C1567741, MONDO:0018965.

Allele frequency attached by ClinVar (database versions not stated): gnomAD exomes 0.00041 and 0.00098; ExAC 0.00127; ESP Exome Variant Server 0.00402; gnomAD 0.00467 and 0.00507; 1000 Genomes Project 0.00479; TOPMed 0.00485; 1000 Genomes Project 30x 0.00578.
gnomAD v4.1: 1,328 of 1,614,184 alleles (0.082%); highest among the groups gnomAD compares: African/African-American, 1.6%; 14 homozygotes.

Submissions (8):

Labcorp Genetics (formerly Invitae), Labcorp
Classification: Benign. Last evaluated: 2026-02-01. Review status: criteria provided, single submitter. Criteria: Invitae Variant Classification Sherloc (09022015). Collection method: clinical testing. Allele origin: germline.

Blueprint Genetics
Classification: Likely benign. Last evaluated: 2024-11-11. Review status: criteria provided, single submitter. Criteria: ACMG Guidelines, 2015. Collection method: clinical testing. Allele origin: germline.

Mayo Clinic Laboratories, Mayo Clinic
Classification: Benign. Last evaluated: 2023-12-14. Review status: criteria provided, single submitter. Criteria: ACMG Guidelines, 2015. Collection method: clinical testing. Allele origin: germline. Observed: 2 variant alleles.
Comment: BS1, BS2, BP4, BP7

GeneDx
Classification: Benign. Last evaluated: 2019-03-28. Review status: criteria provided, single submitter. Criteria: GeneDx Variant Classification Process June 2021. Collection method: clinical testing. Allele origin: germline. Affected: yes.

Athena Diagnostics
Classification: Benign. Last evaluated: 2018-08-20. Review status: criteria provided, single submitter. Criteria: Athena Diagnostics Criteria. Collection method: clinical testing. Allele origin: germline.

PreventionGenetics, part of Exact Sciences
Classification: Likely benign. Review status: criteria provided, single submitter. Criteria: ACMG Guidelines, 2015. Collection method: clinical testing. Allele origin: germline.

Genetic Services Laboratory, University of Chicago
Classification: Benign. Last evaluated: 2022-08-29. Review status: no assertion criteria provided. Collection method: clinical testing. Allele origin: germline. Affected: no. Not counted in ClinVar's aggregate classification.

Natera, Inc.
Classification: Benign for Alport syndrome. Last evaluated: 2020-09-16. Review status: no assertion criteria provided. Collection method: clinical testing. Allele origin: germline. Not counted in ClinVar's aggregate classification.